The following is an entry in ClinVar:

ClinVar aggregate classification (germline): Uncertain significance (1 of 4 stars; one submission).

Conditions:
Pitt-Hopkins-like syndrome 2 (PTHSL2). Identifiers: Orphanet 221150, Orphanet 600663, MedGen C3280479, MONDO:0013690, OMIM 614325.

Submission:

Labcorp Genetics (formerly Invitae), Labcorp
Classification: Uncertain significance for Pitt-Hopkins-like syndrome 2. Last evaluated: 2023-09-22. Review status: criteria provided, single submitter. Criteria: Invitae Variant Classification Sherloc (09022015). Collection method: clinical testing. Allele origin: germline.
Comment: In summary, the available evidence is currently insufficient to determine the role of this variant in disease. Therefore, it has been classified as a Variant of Uncertain Significance. An algorithm developed to predict the effect of missense changes on protein structure and function (PolyPhen-2) suggests that this variant is likely to be tolerated. This variant has not been reported in the literature in individuals affected with NRXN1-related conditions. This variant is not present in population databases (gnomAD no frequency). This sequence change replaces proline, which is neutral and non-polar, with alanine, which is neutral and non-polar, at codon 34 of the NRXN1 protein (p.Pro34Ala).

NM_001330078.2(NRXN1):c.100C>G (p.Pro34Ala)

Gene: NRXN1 (neurexin 1; minus strand). Cytogenetic location: 2p16.3.
Variant type: single nucleotide variant.
Coding change: c.100C>G on transcript NM_001330078.2 (MANE Select); coding-DNA position 100, C replaced by G.
Protein change: p.Pro34Ala; replaces proline 34 with alanine.
Molecular consequence: missense variant.
Genome position (GRCh38, 1-based): chr2:51,028,174, G>C on the plus strand (C>G on the coding strand, the complement: NRXN1 is on the minus strand). VCF-style: chr2-51028174-G-C. GRCh37 (hg19) VCF-style: chr2-51255312-G-C.
Other names: c.100C>G, p.Pro34Ala (NM_001135659.3, NM_001330077.2, NM_001330089.2 and 15 more transcripts); short protein forms P34A.
Identifiers: ClinVar variation 2762739 (VCV002762739.3), dbSNP rs1228817558, ClinGen allele CA346824713.